The following is an entry in ClinVar:

ClinVar aggregate classification (germline): Likely pathogenic. Review status: criteria provided, multiple submitters, no conflicts (2 of 4 stars). 2 submissions from 2 submitters: Likely pathogenic (2). Last evaluated 2023-11-10.

Conditions:
Familial hypokalemia-hypomagnesemia (GTLMNS). Also called: HYPOMAGNESEMIA-HYPOKALEMIA, PRIMARY RENOTUBULAR, WITH HYPOCALCIURIA; POTASSIUM AND MAGNESIUM DEPLETION; gitelman syndrome. Identifiers: Orphanet 358, MedGen C0268450, MONDO:0009904, OMIM 263800.

gnomAD v4.1: 1 of 1,613,772 alleles (0.000062%); highest among the groups gnomAD compares: Non-Finnish European, 0.000085%; no homozygotes.

Submissions (2):

Labcorp Genetics (formerly Invitae), Labcorp
Classification: Likely pathogenic. Last evaluated: 2023-11-10. Review status: criteria provided, single submitter. Criteria: Invitae Variant Classification Sherloc (09022015). Collection method: clinical testing. Allele origin: germline.
Comment: This sequence change replaces arginine, which is basic and polar, with proline, which is neutral and non-polar, at codon 209 of the SLC12A3 protein (p.Arg209Pro). This variant is present in population databases (rs758035631, gnomAD 0.0009%). This missense change has been observed in individual(s) with Gitelman syndrome (PMID: 30596175). ClinVar contains an entry for this variant (Variation ID: 1505020). Advanced modeling of protein sequence and biophysical properties (such as structural, functional, and spatial information, amino acid conservation, physicochemical variation, residue mobility, and thermodynamic stability) performed at Invitae indicates that this missense variant is expected to disrupt SLC12A3 protein function with a positive predictive value of 95%. This variant disrupts the p.Arg209 amino acid residue in SLC12A3. Other variant(s) that disrupt this residue have been determined to be pathogenic (PMID: 11168953, 21415153, 23328711; Invitae). This suggests that this residue is clinically significant, and that variants that disrupt this residue are likely to be disease-causing. In summary, the currently available evidence indicates that the variant is pathogenic, but additional data are needed to prove that conclusively. Therefore, this variant has been classified as Likely Pathogenic.

Fulgent Genetics
Classification: Likely pathogenic for Familial hypokalemia-hypomagnesemia. Last evaluated: 2021-10-14. Review status: criteria provided, single submitter. Criteria: ACMG Guidelines, 2015. Collection method: clinical testing. Allele origin: unknown.

Literature cited by the submitters: PubMed 30596175 (cited by Labcorp Genetics (formerly Invitae), Labcorp); PubMed 11168953 (cited by Labcorp Genetics (formerly Invitae), Labcorp); PubMed 21415153 (cited by Labcorp Genetics (formerly Invitae), Labcorp); PubMed 23328711 (cited by Labcorp Genetics (formerly Invitae), Labcorp).

NM_001126108.2(SLC12A3):c.626G>C (p.Arg209Pro)

Gene: SLC12A3 (solute carrier family 12 member 3; plus strand). Cytogenetic location: 16q13.
Variant type: single nucleotide variant.
Coding change: c.626G>C on transcript NM_001126108.2 (MANE Select); coding-DNA position 626, G replaced by C.
Protein change: p.Arg209Pro; replaces arginine 209 with proline.
Molecular consequence: missense variant.
Genome position (GRCh38, 1-based): chr16:56,870,120, G>C. VCF-style: chr16-56870120-G-C. GRCh37 (hg19) VCF-style: chr16-56904032-G-C.
Other names: c.626G>C, p.Arg209Pro (NM_000339.3); c.623G>C, p.Arg208Pro (NM_001126107.2); short protein forms R208P, R209P.
Identifiers: ClinVar variation 1505020 (VCV001505020.7), dbSNP rs758035631, ClinGen allele CA8069132.